The following is an entry in ClinVar:

ClinVar aggregate classification (germline): Uncertain significance (1 of 4 stars; one submission).

gnomAD v4.1: 1 of 1,609,318 alleles (0.000062%); highest among the groups gnomAD compares: Non-Finnish European, 0.000085%; no homozygotes.

Submission:

Labcorp Genetics (formerly Invitae), Labcorp
Classification: Uncertain significance. Last evaluated: 2022-10-17. Review status: criteria provided, single submitter. Criteria: Invitae Variant Classification Sherloc (09022015). Collection method: clinical testing. Allele origin: germline.
Comment: The frequency data for this variant in the population databases is considered unreliable, as metrics indicate poor data quality at this position in the gnomAD database. In summary, the available evidence is currently insufficient to determine the role of this variant in disease. Therefore, it has been classified as a Variant of Uncertain Significance. Algorithms developed to predict the effect of missense changes on protein structure and function are either unavailable or do not agree on the potential impact of this missense change (SIFT: "Tolerated"; PolyPhen-2: "Not Available"; Align-GVGD: "Class C0"). This variant has not been reported in the literature in individuals affected with CHCHD2-related conditions. This sequence change replaces alanine, which is neutral and non-polar, with proline, which is neutral and non-polar, at codon 32 of the CHCHD2 protein (p.Ala32Pro).

NM_016139.4(CHCHD2):c.94G>C (p.Ala32Pro)

Gene: CHCHD2 (coiled-coil-helix-coiled-coil-helix domain containing 2; minus strand). Cytogenetic location: 7p11.2.
Variant type: single nucleotide variant.
Coding change: c.94G>C on transcript NM_016139.4 (MANE Select); coding-DNA position 94, G replaced by C.
Protein change: p.Ala32Pro; replaces alanine 32 with proline.
Molecular consequence: missense variant.
Genome position (GRCh38, 1-based): chr7:56,104,432, C>G on the plus strand (G>C on the coding strand, the complement: CHCHD2 is on the minus strand). VCF-style: chr7-56104432-C-G. GRCh37 (hg19) VCF-style: chr7-56172125-C-G.
Other names: c.94G>C, p.Ala32Pro (NM_001320327.2); short protein forms A32P.
Identifiers: ClinVar variation 2192193 (VCV002192193.4), dbSNP rs145190179, ClinGen allele CA367613003.
Genomic context (GRCh38, chr7:56,104,432, plus strand): 5'-GCCGGGGCGCAGCAGCAGAAGAGCCAACTGCAGATGGGGGTGCCGCTGCTGGTGGCTGAG[C>G]GACTGGTGCTGGCCTGGGTGCAGCTCTCATCTGAGGGGCCCGGCTGTGAAAGAAAAGAAA-3'
Protein context (NP_057223.1, residues 22-42): MRAAPRPAPV[Ala32Pro]QPPAAAPPSA